The following is an entry in ClinVar:

ClinVar aggregate classification (germline): Benign/Likely benign. Review status: criteria provided, multiple submitters, no conflicts (2 of 4 stars). 5 submissions from 5 submitters: Benign (1); Likely benign (4). Last evaluated 2026-09-01.

Conditions:
Intellectual disability, autosomal recessive 42 (NEDDSBA). Also called: Neurodevelopmental disorder with dysmorphic features, spasticity, and brain abnormalities; GLYCOSYLPHOSPHATIDYLINOSITOL BIOSYNTHESIS DEFECT 9. Identifiers: Orphanet 88616, MedGen C4014343, MONDO:0014348, OMIM 615802.
Hereditary spastic paraplegia. Also called: Familial spastic paraparesis. Identifiers: Orphanet 685, MedGen C0037773, MONDO:0019064. Disease mechanism: loss of function.

Allele frequency attached by ClinVar (database versions not stated): 1000 Genomes Project 30x 0.00078; 1000 Genomes Project 0.00100; gnomAD exomes 0.00220 and 0.00490; ExAC 0.00235; gnomAD 0.00274 and 0.00283; TOPMed 0.00279; ESP Exome Variant Server 0.00317.
gnomAD v4.1: 7,423 of 1,578,116 alleles (0.47%); highest among the groups gnomAD compares: Non-Finnish European, 0.58%; 23 homozygotes.

Submissions (5):

CeGaT Center for Human Genetics Tuebingen
Classification: Likely benign. Last evaluated: 2026-09-01. Review status: criteria provided, single submitter. Criteria: CeGaT Center For Human Genetics Tuebingen Variant Classification Criteria Version 2. Collection method: clinical testing. Allele origin: germline. Affected: yes. Observed: 17 variant alleles.
Comment: PGAP1: BP4, BP7, BS2

Labcorp Genetics (formerly Invitae), Labcorp
Classification: Benign for Intellectual disability, autosomal recessive 42. Last evaluated: 2026-01-26. Review status: criteria provided, single submitter. Criteria: Invitae Variant Classification Sherloc (09022015). Collection method: clinical testing. Allele origin: germline.

Blueprint Genetics
Classification: Likely benign. Last evaluated: 2024-11-22. Review status: criteria provided, single submitter. Criteria: ACMG Guidelines, 2015. Collection method: clinical testing. Allele origin: germline.

Genome Diagnostics Laboratory, The Hospital for Sick Children
Classification: Likely benign for Hereditary spastic paraplegia. Last evaluated: 2022-01-04. Review status: criteria provided, single submitter. Criteria: ACMG Guidelines, 2015. Collection method: clinical testing. Allele origin: germline. Affected: yes.

Genetic Services Laboratory, University of Chicago
Classification: Likely benign. Last evaluated: 2016-08-22. Review status: criteria provided, single submitter. Criteria: ACMG Guidelines, 2015. Collection method: clinical testing. Allele origin: germline. Affected: no.

NM_024989.4(PGAP1):c.906T>C (p.Leu302=)

Gene: PGAP1 (post-GPI attachment to proteins inositol deacylase 1; minus strand). Cytogenetic location: 2q33.1.
Variant type: single nucleotide variant.
Coding change: c.906T>C on transcript NM_024989.4 (MANE Select); coding-DNA position 906, T replaced by C.
Protein change: p.Leu302=; no amino-acid change (leucine 302 retained).
Molecular consequence: synonymous variant. On other transcripts: 5 prime UTR variant (1).
Genome position (GRCh38, 1-based): chr2:196,897,152, A>G on the plus strand (T>C on the coding strand, the complement: PGAP1 is on the minus strand). VCF-style: chr2-196897152-A-G. GRCh37 (hg19) VCF-style: chr2-197761876-A-G.
Other names: c.384T>C, p.Leu128= (NM_001321099.2); c.-206T>C (NM_001321100.2).
Identifiers: ClinVar variation 436295 (VCV000436295.57), dbSNP rs138525017, ClinGen allele CA2041083.